The following is an entry in ClinVar:

NM_003742.4(ABCB11):c.2815-1G>A

Genes: ABCB11 (ATP binding cassette subfamily B member 11; minus strand), LOC126806400 (CDK7 strongly-dependent group 2 enhancer GRCh37_chr2:169791870-169793069; plus strand). Cytogenetic location: 2q31.1.
Variant type: single nucleotide variant.
Coding change: c.2815-1G>A on transcript NM_003742.4 (MANE Select); the canonical splice acceptor site of the intron before coding-DNA position 2815, G replaced by A.
Molecular consequence: splice acceptor variant.
Genome position (GRCh38, 1-based): chr2:168,935,426, C>T on the plus strand (G>A on the coding strand, the complement: ABCB11 is on the minus strand). VCF-style: chr2-168935426-C-T. GRCh37 (hg19) VCF-style: chr2-169791936-C-T.
Identifiers: ClinVar variation 4846704 (VCV004846704.1).
Genomic context (GRCh38, chr2:168,935,426, plus strand): 5'-CCGCCTCTCCTTTCCAATTCCAGCAACAGTGCGGATGTTACTGAGGGCTTCATTTGTAAT[C>T]TGAAGATTGAAAAAGAGTCTTAGGAATACAAGGGCAGAAATAACTCCTTTCGTGACATTT-3'

ClinVar aggregate classification (germline): Likely pathogenic (1 of 4 stars; one submission).

Conditions:
Familial intrahepatic cholestasis. Identifiers: Orphanet 284385, MedGen CN296401, MONDO:0017290.

Submission:

Genomenon, Inc
Classification: Likely pathogenic for Familial intrahepatic cholestasis. Last evaluated: 2026-04-14. Review status: criteria provided, single submitter. Criteria: Genomenon Sequence Variant Interpretation Standards - Updated. Collection method: curation. Allele origin: germline. Affected: yes.
Comment: ABCB11 c.2815-1G>A is a canonical splice variant affecting the acceptor splice site of intron 22. It is predicted to affect mRNA splicing, leading to a deleterious effect on the ABCB11 protein. This variant has been observed in at least one individual with transient neonatal cholestasis (PMID:32808743). It is absent or not present at a significant frequency in gnomAD. In conclusion, we classify ABCB11 c.2815-1G>A as a likely pathogenic variant.

Literature cited by the submitters: PubMed 32808743.